The following is an entry in ClinVar:

NM_005515.4(MNX1):c.638G>A (p.Trp213Ter)

Gene: MNX1 (motor neuron and pancreas homeobox 1; minus strand). Cytogenetic location: 7q36.3.
Variant type: single nucleotide variant.
Coding change: c.638G>A on transcript NM_005515.4 (MANE Select); coding-DNA position 638, G replaced by A.
Protein change: p.Trp213Ter; replaces tryptophan 213 with a stop codon.
Molecular consequence: nonsense.
Genome position (GRCh38, 1-based): chr7:157,009,713, C>T on the plus strand (G>A on the coding strand, the complement: MNX1 is on the minus strand). VCF-style: chr7-157009713-C-T. GRCh37 (hg19) VCF-style: chr7-156802407-C-T.
Other names: short protein forms W213*.
Identifiers: ClinVar variation 3392972 (VCV003392972.1).

ClinVar aggregate classification (germline): Pathogenic (1 of 4 stars; one submission).

Submission:

GeneDx
Classification: Pathogenic. Last evaluated: 2024-06-28. Review status: criteria provided, single submitter. Criteria: GeneDx Variant Classification Process June 2021. Collection method: clinical testing. Allele origin: germline. Affected: yes.
Comment: Nonsense variant predicted to result in protein truncation or nonsense mediated decay in a gene for which loss of function is a known mechanism of disease; Not observed at significant frequency in large population cohorts (gnomAD); This variant is associated with the following publications: (PMID: 17724455, 16254195)